The following is an entry in ClinVar:

NM_001844.5(COL2A1):c.267C>A (p.Cys89Ter)

Gene: COL2A1 (collagen type II alpha 1 chain; minus strand). Cytogenetic location: 12q13.11.
Variant type: single nucleotide variant.
Coding change: c.267C>A on transcript NM_001844.5 (MANE Select); coding-DNA position 267, C replaced by A.
Protein change: p.Cys89Ter; replaces cysteine 89 with a stop codon.
Molecular consequence: nonsense. On other transcripts: intron variant (1).
Genome position (GRCh38, 1-based): chr12:47,999,944, G>T on the plus strand (C>A on the coding strand, the complement: COL2A1 is on the minus strand). VCF-style: chr12-47999944-G-T. GRCh37 (hg19) VCF-style: chr12-48393727-G-T.
Other names: c.86-1513C>A (NM_033150.3); short protein forms C89*.
Identifiers: ClinVar variation 1453926 (VCV001453926.6), dbSNP rs2136636832, ClinGen allele CA384525872.

ClinVar aggregate classification (germline): Pathogenic (1 of 4 stars; one submission).

Submission:

Labcorp Genetics (formerly Invitae), Labcorp
Classification: Pathogenic. Last evaluated: 2021-05-07. Review status: criteria provided, single submitter. Criteria: Invitae Variant Classification Sherloc (09022015). Collection method: clinical testing. Allele origin: germline.
Comment: For these reasons, this variant has been classified as Pathogenic. This variant has not been reported in the literature in individuals with COL2A1-related conditions. This variant is not present in population databases (ExAC no frequency). This sequence change creates a premature translational stop signal (p.Cys89*) in the COL2A1 gene. It is expected to result in an absent or disrupted protein product. Loss-of-function variants in COL2A1 are known to be pathogenic (PMID: 20179744).

Literature cited by the submitters: PubMed 20179744.